The following is an entry in ClinVar:

NM_001127208.3(TET2):c.923C>G (p.Ala308Gly)

Genes: TET2 (tet methylcytosine dioxygenase 2; plus strand), TET2-AS1 (TET2 antisense RNA 1; minus strand). Cytogenetic location: 4q24.
Variant type: single nucleotide variant.
Coding change: c.923C>G on transcript NM_001127208.3 (MANE Select); coding-DNA position 923, C replaced by G.
Protein change: p.Ala308Gly; replaces alanine 308 with glycine.
Molecular consequence: missense variant.
Genome position (GRCh38, 1-based): chr4:105,234,865, C>G. VCF-style: chr4-105234865-C-G. GRCh37 (hg19) VCF-style: chr4-106156022-C-G.
Other names: c.923C>G, p.Ala308Gly (NM_017628.4); short protein forms A308G.
Identifiers: ClinVar variation 3806024 (VCV003806024.1).

ClinVar aggregate classification (germline): Uncertain significance (1 of 4 stars; one submission).

Submission:

Ambry Genetics
Classification: Uncertain significance. Last evaluated: 2025-02-03. Review status: criteria provided, single submitter. Criteria: Ambry Variant Classification Scheme 2023. Collection method: clinical testing. Allele origin: germline.
Comment: The p.A308G variant (also known as c.923C>G), located in coding exon 1 of the TET2 gene, results from a C to G substitution at nucleotide position 923. The alanine at codon 308 is replaced by glycine, an amino acid with similar properties. This amino acid position is conserved. In addition, this alteration is predicted to be tolerated by in silico analysis. Based on the available evidence, the clinical significance of this variant remains unclear.